The following is an entry in ClinVar:

ClinVar aggregate classification (germline): Conflicting classifications of pathogenicity. Review status: criteria provided, conflicting classifications (1 of 4 stars). 8 submissions from 8 submitters: Uncertain significance (6); Likely benign (1). 1 of the submissions does not count toward it. Last evaluated 2025-09-29.

Conditions:
Hereditary breast ovarian cancer syndrome. Also called: Breast and ovarian cancer; Hereditary breast and ovarian cancer; Hereditary breast and ovarian cancer syndrome; Hereditary breast and/or ovarian cancer syndrome; BRCA1- and BRCA2-Associated Hereditary Breast and Ovarian Cancer; Hereditary breast and ovarian cancer syndrome (HBOC). Identifiers: Orphanet 145, MedGen C0677776, MeSH D061325, MONDO:0003582. Disease mechanism: loss of function.
Breast-ovarian cancer, familial, susceptibility to, 1 (BROVCA1). Also called: BRCA1 Hereditary Breast and Ovarian Cancer; OVARIAN CANCER, SUSCEPTIBILITY TO. Identifiers: Orphanet 145, MedGen C2676676, MONDO:0011450, OMIM 604370. Disease mechanism: loss of function.
Hereditary cancer-predisposing syndrome. Also called: Tumor predisposition; Hereditary Cancer Syndrome; Neoplastic Syndromes, Hereditary; Hereditary neoplastic syndrome. Identifiers: Orphanet 140162, MedGen C0027672, MeSH D009386, MONDO:0015356.

Allele frequency attached by ClinVar (database versions not stated): TOPMed 0.00002.

Submissions (8):

Women's Health and Genetics/Laboratory Corporation of America, LabCorp
Classification: Uncertain significance. Last evaluated: 2025-09-29. Review status: criteria provided, single submitter. Criteria: LabCorp Variant Classification Summary - May 2015. Collection method: clinical testing. Allele origin: germline.
Comment: Variant summary: BRCA1 c.3700G>C (p.Val1234Leu) results in a conservative amino acid change in the encoded protein sequence. Algorithms developed to predict the effect of missense changes on protein structure and function all suggest that this variant is likely to be tolerated. The variant was absent in 251274 control chromosomes. The available data on variant occurrences in the general population are insufficient to allow any conclusion about variant significance. To our knowledge, no occurrence of c.3700G>C in individuals affected with BRCA1-related conditions and no experimental evidence demonstrating its impact on protein function have been reported. ClinVar contains an entry for this variant (Variation ID: 216664). Based on the evidence outlined above, the variant was classified as uncertain significance.

Labcorp Genetics (formerly Invitae), Labcorp
Classification: Uncertain significance for Hereditary breast ovarian cancer syndrome. Last evaluated: 2025-07-28. Review status: criteria provided, single submitter. Criteria: Invitae Variant Classification Sherloc (09022015). Collection method: clinical testing. Allele origin: germline.
Comment: This sequence change replaces valine, which is neutral and non-polar, with leucine, which is neutral and non-polar, at codon 1234 of the BRCA1 protein (p.Val1234Leu). This variant is not present in population databases (gnomAD no frequency). This variant has not been reported in the literature in individuals affected with BRCA1-related conditions. ClinVar contains an entry for this variant (Variation ID: 216664). Invitae Evidence Modeling of protein sequence and biophysical properties (such as structural, functional, and spatial information, amino acid conservation, physicochemical variation, residue mobility, and thermodynamic stability) indicates that this missense variant is expected to disrupt BRCA1 protein function with a positive predictive value of 80%. In summary, the available evidence is currently insufficient to determine the role of this variant in disease. Therefore, it has been classified as a Variant of Uncertain Significance.

Quest Diagnostics Nichols Institute San Juan Capistrano
Classification: Uncertain significance. Last evaluated: 2025-05-21. Review status: criteria provided, single submitter. Criteria: Quest Diagnostics criteria. Collection method: clinical testing. Allele origin: unknown.
Comment: The BRCA1 c.3700G>C (p.Val1234Leu) variant has been reported in the published literature to be located in a region of the BRCA1 gene that is tolerant to missense sequence changes (PMID: 31911673 (2020)). To the best of our knowledge, this variant has not been reported in individuals with BRCA1-related disorders. This variant has not been reported in large, multi-ethnic general populations (Genome Aggregation Database). Analysis of this variant using bioinformatics tools for the prediction of the effect of amino acid changes on protein structure and function yielded predictions that this variant is benign. Based on the available information, we are unable to determine the clinical significance of this variant.

Ambry Genetics
Classification: Uncertain significance for Hereditary cancer-predisposing syndrome. Last evaluated: 2024-05-14. Review status: criteria provided, single submitter. Criteria: Ambry Variant Classification Scheme 2023. Collection method: clinical testing. Allele origin: germline.
Comment: The p.V1234L variant (also known as c.3700G>C), located in coding exon 9 of the BRCA1 gene, results from a G to C substitution at nucleotide position 3700. The valine at codon 1234 is replaced by leucine, an amino acid with highly similar properties. This amino acid position is not well conserved in available vertebrate species. In addition, the in silico prediction for this alteration is inconclusive. Since supporting evidence is limited at this time, the clinical significance of this alteration remains unclear.

All of Us Research Program, National Institutes of Health
Classification: Uncertain significance for Breast-ovarian cancer, familial, susceptibility to, 1. Last evaluated: 2023-10-02. Review status: criteria provided, single submitter. Criteria: ACMG Guidelines, 2015. Collection method: clinical testing. Allele origin: germline. Inheritance: Autosomal dominant inheritance. Observed: 2 variant alleles, 2 heterozygotes.
Comment: This missense variant replaces valine with leucine at codon 1234 of the BRCA1 protein. Computational prediction suggests that this variant may not impact protein structure and function (internally defined REVEL score threshold <= 0.5, PMID: 27666373). To our knowledge, functional studies have not been reported for this variant. This variant has not been reported in individuals affected with hereditary cancer in the literature. This variant has not been identified in the general population by the Genome Aggregation Database (gnomAD). The available evidence is insufficient to determine the role of this variant in disease conclusively. Therefore, this variant is classified as a Variant of Uncertain Significance.

This study involves interpretation of variants in research participants for the purpose of population health screening. Participant phenotype was not available at the time of variant classification. Additional details can be found in publication PMID: 35346344, PMCID: PMC8962531

University of Washington Department of Laboratory Medicine, University of Washington
Classification: Likely benign for Hereditary cancer-predisposing syndrome. Last evaluated: 2023-03-23. Review status: criteria provided, single submitter. Criteria: Dines et al. (Genet Med. 2020). Collection method: curation. Allele origin: germline.
Comment: Missense variant in a coldspot region where missense variants are very unlikely to be pathogenic (PMID:31911673).

BRCA1 coldspot (exon 11 using historical exon numbering). Reclassification based on statistical prior probability

GeneDx
Classification: Uncertain significance. Last evaluated: 2023-02-01. Review status: criteria provided, single submitter. Criteria: GeneDx Variant Classification Process June 2021. Collection method: clinical testing. Allele origin: germline. Affected: yes.
Comment: Not observed at significant frequency in large population cohorts (gnomAD); In silico analysis supports that this missense variant does not alter protein structure/function; Has not been previously published as pathogenic or benign to our knowledge; Also known as 3819G>C; This variant is associated with the following publications: (PMID: 31853058, 29884841, 32377563)

Counsyl
Classification: Uncertain significance for Breast-ovarian cancer, familial, susceptibility to, 1. Last evaluated: 2016-03-23. Review status: no assertion criteria provided. Collection method: clinical testing. Allele origin: unknown. Not counted in ClinVar's aggregate classification.

Literature cited by the submitters: PubMed 31911673 (cited by Quest Diagnostics Nichols Institute San Juan Capistrano).

NM_007294.4(BRCA1):c.3700G>C (p.Val1234Leu)

Genes: BRCA1 (BRCA1 DNA repair associated; minus strand), LOC126862571 (BRD4-independent group 4 enhancer GRCh37_chr17:41243136-41244335; plus strand). Cytogenetic location: 17q21.31.
Variant type: single nucleotide variant.
Coding change: c.3700G>C on transcript NM_007294.4 (MANE Select); coding-DNA position 3700, G replaced by C.
Protein change: p.Val1234Leu; replaces valine 1234 with leucine.
Molecular consequence: missense variant. On other transcripts: intron variant (135).
Genome position (GRCh38, 1-based): chr17:43,091,831, C>G on the plus strand (G>C on the coding strand, the complement: BRCA1 is on the minus strand). VCF-style: chr17-43091831-C-G. GRCh37 (hg19) VCF-style: chr17-41243848-C-G.
Other names: c.3487G>C, p.Val1163Leu (NM_001407571.1, NM_001407853.1, NM_001407894.1 and 9 more transcripts); c.3700G>C, p.Val1234Leu (NM_001407581.1, NM_001407582.1, NM_001407583.1 and 30 more transcripts); c.3697G>C, p.Val1233Leu (NM_001407587.1, NM_001407610.1, NM_001407611.1 and 22 more transcripts); c.3691G>C, p.Val1231Leu (NM_001407646.1, NM_001407647.1); c.3577G>C, p.Val1193Leu (NM_001407648.1, NM_001407664.1, NM_001407665.1 and 19 more transcripts); c.3574G>C, p.Val1192Leu (NM_001407649.1, NM_001407670.1, NM_001407671.1 and 11 more transcripts); c.3622G>C, p.Val1208Leu (NM_001407653.1, NM_001407654.1, NM_001407655.1 and 4 more transcripts); c.3619G>C, p.Val1207Leu (NM_001407659.1, NM_001407660.1, NM_001407661.1 and 1 more transcripts); and 41 more; short protein forms V1234L, V1187L, V1207L, V1208L, V1231L, V938L, V1163L, V1186L.
Identifiers: ClinVar variation 216664 (VCV000216664.28), dbSNP rs763354142, ClinGen allele CA337426.